The following is an entry in ClinVar:

NM_001165963.4(SCN1A):c.2686G>T (p.Val896Phe)

Gene: SCN1A (sodium voltage-gated channel alpha subunit 1; minus strand). Cytogenetic location: 2q24.3.
Variant type: single nucleotide variant.
Coding change: c.2686G>T on transcript NM_001165963.4 (MANE Select); coding-DNA position 2686, G replaced by T.
Protein change: p.Val896Phe; replaces valine 896 with phenylalanine.
Molecular consequence: missense variant. On other transcripts: non-coding transcript variant (1).
Genome position (GRCh38, 1-based): chr2:166,038,036, C>A on the plus strand (G>T on the coding strand, the complement: SCN1A is on the minus strand). VCF-style: chr2-166038036-C-A. GRCh37 (hg19) VCF-style: chr2-166894546-C-A.
Other names: c.2602G>T, p.Val868Phe (NM_001165964.3, NM_001353957.2, NM_001353958.2); c.2686G>T, p.Val896Phe (NM_001202435.3, NM_001353948.2); c.2653G>T, p.Val885Phe (NM_001353949.2, NM_001353950.2, NM_001353951.2 and 2 more transcripts); c.2650G>T, p.Val884Phe (NM_001353954.2, NM_001353955.2); c.2599G>T, p.Val867Phe (NM_001353960.2); c.244G>T, p.Val82Phe (NM_001353961.2); short protein forms V82F, V867F, V868F, V884F, V885F, V896F.
Identifiers: ClinVar variation 5017804 (VCV005017804.1).
Genomic context (GRCh38, chr2:166,038,036, plus strand): 5'-AGCTTTTACCAAAGAGCTGCATGCCGACCACGGCAAAAATGAAGACGATGATGGCCAAGA[C>A]GAGGGTTAAATTTCCCAGAGCCCCCACGGAATTGCCGATGATCTTTATTAGCATATTTAA-3'
Protein context (NP_001159435.1, residues 886-906): SVGALGNLTL[Val896Phe]LAIIVFIFAV

ClinVar aggregate classification (germline): Likely pathogenic (1 of 4 stars; one submission).

Submission:

GeneDx
Classification: Likely pathogenic. Last evaluated: 2026-04-03. Review status: criteria provided, single submitter. Criteria: GeneDx Variant Classification Process June 2021. Collection method: clinical testing. Allele origin: germline.
Comment: Identified in patients with clinical features consistent with a SCN1A-related disorder in published literature (PMID: 26005841, 35074891, 23195492); In silico analysis supports that this missense variant has a deleterious effect on protein structure/function; Not observed at significant frequency in large population cohorts (gnomAD); This substitution is predicted to be within the transmembrane segment S5 of the second homologous domain; This variant is associated with the following publications: (PMID: 35074891, 26005841, 23195492)